The following is an entry in ClinVar:

ClinVar aggregate classification (germline): Benign/Likely benign. Review status: criteria provided, multiple submitters, no conflicts (2 of 4 stars). 3 submissions from 3 submitters: Benign (1); Likely benign (2). Last evaluated 2024-07-26.

Conditions:
Hereditary cancer-predisposing syndrome. Also called: Tumor predisposition; Neoplastic Syndromes, Hereditary; Hereditary neoplastic syndrome; Hereditary Cancer Syndrome. Identifiers: Orphanet 140162, MedGen C0027672, MeSH D009386, MONDO:0015356.
Familial cancer of breast. Also called: Hereditary breast cancer; hereditary breast carcinoma; BREAST CANCER, FAMILIAL. Identifiers: Orphanet 227535, MedGen C0346153, MONDO:0016419, OMIM 114480. Disease mechanism: loss of function.

Submissions (3):

Myriad Genetics, Inc.
Classification: Benign for Familial cancer of breast. Last evaluated: 2024-07-26. Review status: criteria provided, single submitter. Criteria: Myriad Autosomal Dominant, Autosomal Recessive and X-Linked Classification Criteria (2023). Collection method: clinical testing. Allele origin: unknown.
Comment: This variant is considered benign. This variant is a silent/synonymous amino acid change and it is not expected to impact splicing.

Labcorp Genetics (formerly Invitae), Labcorp
Classification: Likely benign for Familial cancer of breast. Last evaluated: 2023-11-17. Review status: criteria provided, single submitter. Criteria: Invitae Variant Classification Sherloc (09022015). Collection method: clinical testing. Allele origin: germline.

Ambry Genetics
Classification: Likely benign for Hereditary cancer-predisposing syndrome. Last evaluated: 2021-10-12. Review status: criteria provided, single submitter. Criteria: Ambry Variant Classification Scheme 2023. Collection method: clinical testing. Allele origin: germline.

NM_000465.4(BARD1):c.1624C>T (p.Leu542=)

Gene: BARD1 (BRCA1 associated RING domain 1; minus strand). Cytogenetic location: 2q35.
Variant type: single nucleotide variant.
Coding change: c.1624C>T on transcript NM_000465.4 (MANE Select); coding-DNA position 1624, C replaced by T.
Protein change: p.Leu542=; no amino-acid change (leucine 542 retained).
Molecular consequence: synonymous variant. On other transcripts: non-coding transcript variant (3), intron variant (1).
Genome position (GRCh38, 1-based): chr2:214,752,500, G>A on the plus strand (C>T on the coding strand, the complement: BARD1 is on the minus strand). VCF-style: chr2-214752500-G-A. GRCh37 (hg19) VCF-style: chr2-215617224-G-A.
Other names: c.1567C>T, p.Leu523= (NM_001282543.2); c.271C>T, p.Leu91= (NM_001282545.2); c.214C>T, p.Leu72= (NM_001282548.2); c.365-21992C>T (NM_001282549.2).
Identifiers: ClinVar variation 1151885 (VCV001151885.13), dbSNP rs2106038865, ClinGen allele CA431147809.